The following is an entry in ClinVar:

ClinVar aggregate classification (germline): Uncertain significance. Review status: criteria provided, multiple submitters, no conflicts (2 of 4 stars). 3 submissions from 3 submitters: Uncertain significance (3). Last evaluated 2025-07-10.

Conditions:
Inborn genetic diseases. Identifiers: MedGen C0950123, MeSH D030342.
Familial cold autoinflammatory syndrome 3 (FCAS3). Also called: ANTIBODY DEFICIENCY AND IMMUNE DYSREGULATION, PLCG2-ASSOCIATED; FAMILIAL ATYPICAL COLD URTICARIA. Identifiers: Orphanet 300359, MedGen C3280914, MONDO:0013766, OMIM 614468.

gnomAD v4.1: 1 of 1,614,132 alleles (0.000062%); highest among the groups gnomAD compares: Non-Finnish European, 0.000085%; no homozygotes.

Submissions (3):

GeneDx
Classification: Uncertain significance. Last evaluated: 2025-07-10. Review status: criteria provided, single submitter. Criteria: GeneDx Variant Classification Process June 2021. Collection method: clinical testing. Allele origin: germline. Affected: yes.
Comment: Not observed at significant frequency in large population cohorts (gnomAD); In silico analysis supports that this missense variant has a deleterious effect on protein structure/function; Has not been previously published as pathogenic or benign to our knowledge

Ambry Genetics
Classification: Uncertain significance for Inborn genetic diseases. Last evaluated: 2025-02-13. Review status: criteria provided, single submitter. Criteria: Ambry Variant Classification Scheme 2023. Collection method: clinical testing. Allele origin: germline.

Labcorp Genetics (formerly Invitae), Labcorp
Classification: Uncertain significance for Familial cold autoinflammatory syndrome 3. Last evaluated: 2025-01-17. Review status: criteria provided, single submitter. Criteria: Invitae Variant Classification Sherloc (09022015). Collection method: clinical testing. Allele origin: germline.
Comment: This sequence change replaces asparagine, which is neutral and polar, with histidine, which is basic and polar, at codon 604 of the PLCG2 protein (p.Asn604His). This variant is not present in population databases (gnomAD no frequency). This variant has not been reported in the literature in individuals affected with PLCG2-related conditions. An algorithm developed to predict the effect of missense changes on protein structure and function (PolyPhen-2) suggests that this variant is likely to be tolerated. In summary, the available evidence is currently insufficient to determine the role of this variant in disease. Therefore, it has been classified as a Variant of Uncertain Significance.

NM_002661.5(PLCG2):c.1810A>C (p.Asn604His)

Gene: PLCG2 (phospholipase C gamma 2; plus strand). Cytogenetic location: 16q23.3.
Variant type: single nucleotide variant.
Coding change: c.1810A>C on transcript NM_002661.5 (MANE Select); coding-DNA position 1810, A replaced by C.
Protein change: p.Asn604His; replaces asparagine 604 with histidine.
Molecular consequence: missense variant.
Genome position (GRCh38, 1-based): chr16:81,910,596, A>C. VCF-style: chr16-81910596-A-C. GRCh37 (hg19) VCF-style: chr16-81944201-A-C.
Other names: c.1810A>C (NM_002661.4); c.1810A>C, p.Asn604His (NM_001425749.1, NM_001425750.1, NM_001425751.1); short protein forms N604H.
Identifiers: ClinVar variation 3625162 (VCV003625162.4).